The following is an entry in ClinVar:

ClinVar aggregate classification (germline): Uncertain significance (1 of 4 stars; one submission).

Submission:

Labcorp Genetics (formerly Invitae), Labcorp
Classification: Uncertain significance. Last evaluated: 2025-09-22. Review status: criteria provided, single submitter. Criteria: Invitae Variant Classification Sherloc (09022015). Collection method: clinical testing. Allele origin: germline.
Comment: This sequence change replaces leucine, which is neutral and non-polar, with valine, which is neutral and non-polar, at codon 449 of the LZTR1 protein (p.Leu449Val). This variant is not present in population databases (gnomAD no frequency). This variant has not been reported in the literature in individuals affected with LZTR1-related conditions. ClinVar contains an entry for this variant (Variation ID: 936645). Invitae Evidence Modeling of protein sequence and biophysical properties (such as structural, functional, and spatial information, amino acid conservation, physicochemical variation, residue mobility, and thermodynamic stability) indicates that this missense variant is not expected to disrupt LZTR1 protein function with a negative predictive value of 80%. In summary, the available evidence is currently insufficient to determine the role of this variant in disease. Therefore, it has been classified as a Variant of Uncertain Significance.

NM_006767.4(LZTR1):c.1345C>G (p.Leu449Val)

Gene: LZTR1 (leucine zipper like post translational regulator 1; plus strand). Cytogenetic location: 22q11.21.
Variant type: single nucleotide variant.
Coding change: c.1345C>G on transcript NM_006767.4 (MANE Select); coding-DNA position 1345, C replaced by G.
Protein change: p.Leu449Val; replaces leucine 449 with valine.
Molecular consequence: missense variant.
Genome position (GRCh38, 1-based): chr22:20,993,746, C>G. VCF-style: chr22-20993746-C-G. GRCh37 (hg19) VCF-style: chr22-21348035-C-G.
Other names: short protein forms L449V.
Identifiers: ClinVar variation 936645 (VCV000936645.9), dbSNP rs1924689346, ClinGen allele CA410774749.